The following is an entry in ClinVar:

NM_001101.5(ACTB):c.900T>G (p.Ser300=)

Gene: ACTB (actin beta; minus strand). Cytogenetic location: 7p22.1.
Variant type: single nucleotide variant.
Coding change: c.900T>G on transcript NM_001101.5 (MANE Select); coding-DNA position 900, T replaced by G.
Protein change: p.Ser300=; no amino-acid change (serine 300 retained).
Molecular consequence: synonymous variant.
Genome position (GRCh38, 1-based): chr7:5,528,088, A>C on the plus strand (T>G on the coding strand, the complement: ACTB is on the minus strand). VCF-style: chr7-5528088-A-C. GRCh37 (hg19) VCF-style: chr7-5567719-A-C.
Identifiers: ClinVar variation 2157763 (VCV002157763.6), dbSNP rs13447406, ClinGen allele CA453638897.
Genomic context (GRCh38, chr7:5,528,088, plus strand): 5'-CAGGGCAGTGATCTCCTTCTGCATCCTGTCGGCAATGCCAGGGTACATGGTGGTGCCGCC[A>C]GACAGCACTGTGTTGGCGTACAGGTCTTTGCGGATGTCCACGTCACACTTCATGATGGAG-3'
Protein context (NP_001092.1, residues 290-310): RKDLYANTVL[Ser300=]GGTTMYPGIA

ClinVar aggregate classification (germline): Likely benign. Review status: criteria provided, single submitter (1 of 4 stars). 2 submissions from 2 submitters: Likely benign (1). 1 of the submissions does not count toward it. Last evaluated 2023-06-10.

Conditions:
ACTB-related disorder. Also called: ACTB-related condition; ACTB-related disorders.
Baraitser-Winter syndrome 1 (BRWS1). Also called: PACHYGYRIA, MENTAL RETARDATION, EPILEPSY, AND CHARACTERISTIC FACIES; MENTAL RETARDATION WITH EPILEPSY AND CHARACTERISTIC FACIES; Cerebrofrontofacial syndrome; BARAITSER-WINTER SYNDROME 1, ATYPICAL. Identifiers: Orphanet 2649, Orphanet 2995, MedGen C1855722, MONDO:0009470, OMIM 243310.

Allele frequency attached by ClinVar (database versions not stated): TOPMed below 0.00001.
gnomAD v4.1: 1 of 1,614,254 alleles (0.000062%); highest among the groups gnomAD compares: Non-Finnish European, 0.000085%; no homozygotes.

Submissions (2):

Labcorp Genetics (formerly Invitae), Labcorp
Classification: Likely benign for Baraitser-Winter syndrome 1. Last evaluated: 2023-06-10. Review status: criteria provided, single submitter. Criteria: Invitae Variant Classification Sherloc (09022015). Collection method: clinical testing. Allele origin: germline.

PreventionGenetics, part of Exact Sciences
Classification: Likely benign for ACTB-related condition. Last evaluated: 2023-01-05. Review status: no assertion criteria provided. Collection method: clinical testing. Allele origin: germline. Not counted in ClinVar's aggregate classification.
Comment: This variant is classified as likely benign based on ACMG/AMP sequence variant interpretation guidelines (Richards et al. 2015 PMID: 25741868, with internal and published modifications).